The following is an entry in ClinVar:

NM_017514.5(PLXNA3):c.776C>T (p.Thr259Met)

Gene: PLXNA3 (plexin A3; plus strand). Cytogenetic location: Xq28.
Variant type: single nucleotide variant.
Coding change: c.776C>T on transcript NM_017514.5 (MANE Select); coding-DNA position 776, C replaced by T.
Protein change: p.Thr259Met; replaces threonine 259 with methionine.
Molecular consequence: missense variant.
Genome position (GRCh38, 1-based): chrX:154,461,280, C>T. VCF-style: chrX-154461280-C-T. GRCh37 (hg19) VCF-style: chrX-153689620-C-T.
Other names: short protein forms T259M.
Identifiers: ClinVar variation 2635732 (VCV002635732.3), dbSNP rs370210706, ClinGen allele CA10563806.

ClinVar aggregate classification (germline): Uncertain significance (1 of 4 stars; one submission).

Conditions:
PLXNA3-related disorder. Also called: PLXNA3-related condition.

Allele frequency attached by ClinVar (database versions not stated): gnomAD exomes 0.00003; gnomAD 0.00004; TOPMed 0.00005; ESP Exome Variant Server 0.00009.
gnomAD v4.1: 38 of 1,211,513 alleles (0.0031%); highest among the groups gnomAD compares: South Asian, 0.0088%; no homozygotes.

Submission:

PreventionGenetics, part of Exact Sciences
Classification: Uncertain significance for PLXNA3-related condition. Last evaluated: 2026-03-25. Review status: criteria provided, single submitter. Criteria: ACMG Guidelines, 2015. Collection method: clinical testing. Allele origin: germline.
Comment: The PLXNA3 c.776C>T variant is predicted to result in the amino acid substitution p.Thr259Met. To our knowledge, this variant has not been reported in the literature. This variant is reported in 0.016% of alleles in individuals of South Asian descent in gnomAD. At this time, the clinical significance of this variant is uncertain due to the absence of conclusive functional and genetic evidence.